The following is an entry in ClinVar:

NM_001083961.2(WDR62):c.447G>A (p.Ala149=)

Gene: WDR62 (WD repeat domain 62; plus strand). Cytogenetic location: 19q13.12.
Variant type: single nucleotide variant.
Coding change: c.447G>A on transcript NM_001083961.2 (MANE Select); coding-DNA position 447, G replaced by A.
Protein change: p.Ala149=; no amino-acid change (alanine 149 retained).
Molecular consequence: synonymous variant.
Genome position (GRCh38, 1-based): chr19:36,066,313, G>A. VCF-style: chr19-36066313-G-A. GRCh37 (hg19) VCF-style: chr19-36557215-G-A.
Other names: c.447G>A (NM_001083961.1); c.447G>A, p.Ala149= (NM_173636.5).
Identifiers: ClinVar variation 1598170 (VCV001598170.10), dbSNP rs748349996, ClinGen allele CA9395294.

ClinVar aggregate classification (germline): Likely benign. Review status: criteria provided, single submitter (1 of 4 stars). 2 submissions from 2 submitters: Likely benign (1). 1 of the submissions does not count toward it. Last evaluated 2025-07-29.

Conditions:
WDR62-related disorder. Also called: WDR62-related condition.

Allele frequency attached by ClinVar (database versions not stated): gnomAD 0.00002; gnomAD exomes 0.00006 and 0.00011; TOPMed 0.00008; ExAC 0.00009.
gnomAD v4.1: 94 of 1,614,110 alleles (0.0058%); highest among the groups gnomAD compares: Admixed American, 0.05%; no homozygotes.

Submissions (2):

Labcorp Genetics (formerly Invitae), Labcorp
Classification: Likely benign. Last evaluated: 2025-07-29. Review status: criteria provided, single submitter. Criteria: Invitae Variant Classification Sherloc (09022015). Collection method: clinical testing. Allele origin: germline.

PreventionGenetics, part of Exact Sciences
Classification: Likely benign for WDR62-related condition. Last evaluated: 2021-03-10. Review status: no assertion criteria provided. Collection method: clinical testing. Allele origin: germline. Not counted in ClinVar's aggregate classification.
Comment: This variant is classified as likely benign based on ACMG/AMP sequence variant interpretation guidelines (Richards et al. 2015 PMID: 25741868, with internal and published modifications).